The following is an entry in ClinVar:

NM_130849.4(SLC39A4):c.504G>A (p.Glu168=)

Gene: SLC39A4 (solute carrier family 39 member 4; minus strand). Cytogenetic location: 8q24.3.
Variant type: single nucleotide variant.
Coding change: c.504G>A on transcript NM_130849.4 (MANE Select); coding-DNA position 504, G replaced by A.
Protein change: p.Glu168=; no amino-acid change (glutamic acid 168 retained).
Molecular consequence: synonymous variant.
Genome position (GRCh38, 1-based): chr8:144,415,390, C>T on the plus strand (G>A on the coding strand, the complement: SLC39A4 is on the minus strand). VCF-style: chr8-144415390-C-T. GRCh37 (hg19) VCF-style: chr8-145640774-C-T.
Other names: c.222G>A, p.Glu74= (NM_001374839.1); c.429G>A, p.Glu143= (NM_017767.3).
Identifiers: ClinVar variation 782521 (VCV000782521.21), dbSNP rs138825974, ClinGen allele CA4941668.
Genomic context (GRCh38, chr8:144,415,390, plus strand): 5'-GTCCAGCAGGGCAGCCAGGACGCCGCCAGCACTGCCCGGAGCCCCCGCCCCCACCGCCTC[C>T]TCCAGCAGCTGAGGGATATCTACGCAGGCCTGGGGAAGAGGGGGCCTCCGCCTCAGCCTT-3'
Protein context (NP_570901.3, residues 158-178): MACVDIPQLL[Glu168=]EAVGAGAPGS

ClinVar aggregate classification (germline): Benign/Likely benign. Review status: criteria provided, multiple submitters, no conflicts (2 of 4 stars). 7 submissions from 7 submitters: Benign (1); Likely benign (3). 3 of the submissions do not count toward it. Last evaluated 2026-01-25.

Conditions:
Hereditary acrodermatitis enteropathica (AEZ). Also called: Acrodermatitis enteropathica. Identifiers: Orphanet 37, MedGen C0221036, MONDO:0008713, OMIM 201100.

Allele frequency attached by ClinVar (database versions not stated): gnomAD exomes 0.00018 and 0.00038; ExAC 0.00049; ESP Exome Variant Server 0.00124; 1000 Genomes Project 0.00140; 1000 Genomes Project 30x 0.00141; gnomAD 0.00167 and 0.00178; TOPMed 0.00196.
gnomAD v4.1: 517 of 1,607,190 alleles (0.032%); highest among the groups gnomAD compares: African/African-American, 0.61%; 2 homozygotes.

Submissions (7):

Labcorp Genetics (formerly Invitae), Labcorp
Classification: Benign. Last evaluated: 2026-01-25. Review status: criteria provided, single submitter. Criteria: Invitae Variant Classification Sherloc (09022015). Collection method: clinical testing. Allele origin: germline.

Blueprint Genetics
Classification: Likely benign. Last evaluated: 2024-10-07. Review status: criteria provided, single submitter. Criteria: ACMG Guidelines, 2015. Collection method: clinical testing. Allele origin: germline.

Illumina Laboratory Services, Illumina
Classification: Likely benign for Hereditary acrodermatitis enteropathica. Last evaluated: 2018-01-12. Review status: criteria provided, single submitter. Criteria: ICSL Variant Classification Criteria 13 December 2019. Collection method: clinical testing. Allele origin: germline.
Comment: This variant was observed in the ICSL laboratory as part of a predisposition screen in an ostensibly healthy population. It had not been previously curated by ICSL or reported in the Human Gene Mutation Database (HGMD: prior to June 1st, 2018), and was therefore a candidate for classification through an automated scoring system. Utilizing variant allele frequency, disease prevalence and penetrance estimates, and inheritance mode, an automated score was calculated to assess if this variant is too frequent to cause the disease. Based on the score and internal cut-off values, a variant classified as likely benign is not then subjected to further curation. The score for this variant resulted in a classification of likely benign for this disease.

Breakthrough Genomics
Classification: Likely benign. Review status: criteria provided, single submitter. Criteria: ACMG Guidelines, 2015. Collection method: not provided. Allele origin: germline. Inheritance: Autosomal recessive inheritance. Affected: yes.

Natera, Inc.
Classification: Likely benign for Acrodermatitis enteropathica. Last evaluated: 2019-10-24. Review status: no assertion criteria provided. Collection method: clinical testing. Allele origin: germline. Not counted in ClinVar's aggregate classification.

Clinical Genetics DNA and cytogenetics Diagnostics Lab, Erasmus MC, Erasmus Medical Center
Classification: Likely benign. Review status: no assertion criteria provided. Collection method: clinical testing. Allele origin: germline. Affected: yes. Study: VKGL Data-share Consensus. Not counted in ClinVar's aggregate classification.

Genome Diagnostics Laboratory, University Medical Center Utrecht
Classification: Likely benign. Review status: no assertion criteria provided. Collection method: clinical testing. Allele origin: germline. Affected: yes. Study: VKGL Data-share Consensus. Not counted in ClinVar's aggregate classification.